The following is an entry in ClinVar:

NM_000171.3(GLRA1):c.[298delC];[523A>G]

Variant type: CompoundHeterozygote.
Identifiers: ClinVar variation 424701 (VCV000424701.3).

ClinVar aggregate classification (germline): Pathogenic (0 of 4 stars; one submission).

Conditions:
Hyperekplexia 1 (STHE). Also called: HYPEREKPLEXIA 1, AUTOSOMAL DOMINANT; HYPEREKPLEXIA 1, AUTOSOMAL RECESSIVE; KOK DISEASE; STARTLE DISEASE, FAMILIAL; STIFF-BABY SYNDROME; STIFF-MAN SYNDROME, CONGENITAL. Identifiers: Orphanet 3197, MedGen C4551954, MONDO:0007868, OMIM 149400.

Submission:

GeneReviews
Classification: Pathogenic for Hyperekplexia. Last evaluated: 2012-10-04. Review status: no assertion criteria provided. Collection method: curation. Allele origin: unknown.
ClinVar note: Converted during submission from pathologic to Pathogenic.